The following is an entry in ClinVar:

ClinVar aggregate classification (germline): Uncertain significance (1 of 4 stars; one submission).

Allele frequency attached by ClinVar (database versions not stated): gnomAD exomes below 0.00001.
gnomAD v4.1: 4 of 1,594,802 alleles (0.00025%); highest among the groups gnomAD compares: Non-Finnish European, 0.00034%; no homozygotes.

Submission:

Labcorp Genetics (formerly Invitae), Labcorp
Classification: Uncertain significance. Last evaluated: 2022-03-22. Review status: criteria provided, single submitter. Criteria: Invitae Variant Classification Sherloc (09022015). Collection method: clinical testing. Allele origin: germline.
Comment: This variant is not present in population databases (gnomAD no frequency). This sequence change falls in intron 23 of the PACS2 gene. It does not directly change the encoded amino acid sequence of the PACS2 protein. It affects a nucleotide within the consensus splice site. In summary, the available evidence is currently insufficient to determine the role of this variant in disease. Therefore, it has been classified as a Variant of Uncertain Significance. Variants that disrupt the consensus splice site are a relatively common cause of aberrant splicing (PMID: 17576681, 9536098). Algorithms developed to predict the effect of sequence changes on RNA splicing suggest that this variant may disrupt the consensus splice site. This variant has not been reported in the literature in individuals affected with PACS2-related conditions.

Literature cited by the submitters: PubMed 17576681; PubMed 9536098.

NM_001100913.3(PACS2):c.2482+3G>A

Gene: PACS2 (phosphofurin acidic cluster sorting protein 2; plus strand). Cytogenetic location: 14q32.33.
Variant type: single nucleotide variant.
Coding change: c.2482+3G>A on transcript NM_001100913.3 (MANE Select); 3 bases into the intron after coding-DNA position 2482, G replaced by A.
Molecular consequence: intron variant.
Genome position (GRCh38, 1-based): chr14:105,392,848, G>A. VCF-style: chr14-105392848-G-A. GRCh37 (hg19) VCF-style: chr14-105859185-G-A.
Other names: c.2212+3G>A (NM_001243127.3); c.2437+3G>A (NM_015197.4).
Identifiers: ClinVar variation 2114325 (VCV002114325.4), dbSNP rs895819680, ClinGen allele CA266584038.